The following is an entry in ClinVar:

ClinVar aggregate classification (germline): Uncertain significance (0 of 4 stars; one submission).

Conditions:
TRPC5-related disorder. Also called: TRPC5-related condition.

gnomAD v4.1: 27 of 1,210,328 alleles (0.0022%); highest among the groups gnomAD compares: Non-Finnish European, 0.0028%; no homozygotes.

Submission:

PreventionGenetics, part of Exact Sciences
Classification: Uncertain significance for TRPC5-related condition. Last evaluated: 2024-07-09. Review status: no assertion criteria provided. Collection method: clinical testing. Allele origin: germline.
Comment: The TRPC5 c.2627G>A variant is predicted to result in the amino acid substitution p.Cys876Tyr. To our knowledge, this variant has not been reported in the literature. This variant is reported in 0.0012% of alleles in individuals of European (Non-Finnish) descent in gnomAD. At this time, the clinical significance of this variant is uncertain due to the absence of conclusive functional and genetic evidence.

NM_012471.3(TRPC5):c.2627G>A (p.Cys876Tyr)

Gene: TRPC5 (transient receptor potential cation channel subfamily C member 5; minus strand). Cytogenetic location: Xq23.
Variant type: single nucleotide variant.
Coding change: c.2627G>A on transcript NM_012471.3 (MANE Select); coding-DNA position 2627, G replaced by A.
Protein change: p.Cys876Tyr; replaces cysteine 876 with tyrosine.
Molecular consequence: missense variant.
Genome position (GRCh38, 1-based): chrX:111,776,608, C>T on the plus strand (G>A on the coding strand, the complement: TRPC5 is on the minus strand). VCF-style: chrX-111776608-C-T. GRCh37 (hg19) VCF-style: chrX-111019836-C-T.
Other names: short protein forms C876Y.
Identifiers: ClinVar variation 3357093 (VCV003357093.1).